The following is an entry in ClinVar:

NM_021619.3(PRDM12):c.965G>A (p.Arg322Gln)

Gene: PRDM12 (PR/SET domain 12; plus strand). Cytogenetic location: 9q34.12.
Variant type: single nucleotide variant.
Coding change: c.965G>A on transcript NM_021619.3 (MANE Select); coding-DNA position 965, G replaced by A.
Protein change: p.Arg322Gln; replaces arginine 322 with glutamine.
Molecular consequence: missense variant.
Genome position (GRCh38, 1-based): chr9:130,681,530, G>A. VCF-style: chr9-130681530-G-A. GRCh37 (hg19) VCF-style: chr9-133556917-G-A.
Other names: short protein forms R322Q.
Identifiers: ClinVar variation 1767693 (VCV001767693.2), dbSNP rs1377019647, ClinGen allele CA375245080.
Genomic context (GRCh38, chr9:130,681,530, plus strand): 5'-AGGTGTGCCAGAGCGCCTACTCGCAGCTGGCCGGCCTGCGCGCCCACCAGAAGAGCGCGC[G>A]GCACCGGCCGCCCAGCACCGCGCTGCAGGCACACTCGCCCGCGCTGCCCGCCCCGCACGC-3'
Protein context (NP_067632.2, residues 312-332): AGLRAHQKSA[Arg322Gln]HRPPSTALQA

ClinVar aggregate classification (germline): Uncertain significance (1 of 4 stars; one submission).

Conditions:
Inborn genetic diseases. Identifiers: MedGen C0950123, MeSH D030342.

gnomAD v4.1: 1 of 1,365,318 alleles (0.000073%); highest among the groups gnomAD compares: South Asian, 0.0016%; no homozygotes.

Submission:

Ambry Genetics
Classification: Uncertain significance for Inborn genetic diseases. Last evaluated: 2022-02-21. Review status: criteria provided, single submitter. Criteria: Ambry Variant Classification Scheme 2023. Collection method: clinical testing. Allele origin: germline.
Comment: The p.R322Q variant (also known as c.965G>A), located in coding exon 5 of the PRDM12 gene, results from a G to A substitution at nucleotide position 965. The arginine at codon 322 is replaced by glutamine, an amino acid with highly similar properties. This amino acid position is conserved. In addition, this alteration is predicted to be tolerated by in silico analysis. Since supporting evidence is limited at this time, the clinical significance of this alteration remains unclear.